The following is an entry in ClinVar:

NM_033380.3(COL4A5):c.2768-2A>C

Gene: COL4A5 (collagen type IV alpha 5 chain; plus strand). Cytogenetic location: Xq22.3.
Variant type: single nucleotide variant.
Coding change: c.2768-2A>C on transcript NM_033380.3 (MANE Select); the canonical splice acceptor site of the intron before coding-DNA position 2768, A replaced by C.
Molecular consequence: splice acceptor variant.
Genome position (GRCh38, 1-based): chrX:108,622,674, A>C. VCF-style: chrX-108622674-A-C. GRCh37 (hg19) VCF-style: chrX-107865904-A-C.
Other names: c.2768-2A>C (NM_000495.5).
Identifiers: ClinVar variation 4882384 (VCV004882384.2).
Genomic context (GRCh38, chrX:108,622,674, plus strand): 5'-ATATGCATTAATCTTTGATGGATAAAATTGATATATTGTGTTTTCACACACATTGATTTT[A>C]GGTGATGATGGCTTGCAGGGTCAGCCAGGACTTCCTGGCCCTACAGGAGAAAAAGGTAGT-3'

ClinVar aggregate classification (germline): Uncertain significance (1 of 4 stars; one submission).

Conditions:
X-linked Alport syndrome (ATS1). Also called: NEPHROPATHY AND DEAFNESS, X-LINKED; COL4A5-Related Nephropathy. Identifiers: Orphanet 63, Orphanet 88917, MedGen C4746986, MONDO:0010520, OMIM 301050.

Submission:

Dasa
Classification: Uncertain significance for X-linked Alport syndrome. Last evaluated: 2025-10-30. Review status: criteria provided, single submitter. Criteria: DASA Assertion Criteria. Collection method: clinical testing. Allele origin: germline.
Comment: NM_033380.3(COL4A5):c.2768-2A>C affects a canonical splice site and is predicted to disrupt normal RNA splicing. This variant is absent from population databases. The currently available literature and clinical evidence are not sufficient to establish a definitive association between this variant and the reported condition. Therefore, this variant is classified as a variant of uncertain significance.